The following is an entry in ClinVar:

ClinVar aggregate classification (germline): Uncertain significance (1 of 4 stars; one submission).

Submission:

Labcorp Genetics (formerly Invitae), Labcorp
Classification: Uncertain significance. Last evaluated: 2025-03-30. Review status: criteria provided, single submitter. Criteria: Invitae Variant Classification Sherloc (09022015). Collection method: clinical testing. Allele origin: germline.
Comment: This sequence change replaces asparagine, which is neutral and polar, with serine, which is neutral and polar, at codon 24 of the NDUFA13 protein (p.Asn24Ser). This variant is present in population databases (no rsID available, gnomAD 0.003%). This variant has not been reported in the literature in individuals affected with NDUFA13-related conditions. An algorithm developed to predict the effect of missense changes on protein structure and function (PolyPhen-2) suggests that this variant is likely to be disruptive. In summary, the available evidence is currently insufficient to determine the role of this variant in disease. Therefore, it has been classified as a Variant of Uncertain Significance.

NM_015965.7(NDUFA13):c.71A>G (p.Asn24Ser)

Genes: NDUFA13 (NADH:ubiquinone oxidoreductase subunit A13; plus strand), LOC130064074 (ATAC-STARR-seq lymphoblastoid active region 14360; plus strand). Cytogenetic location: 19p13.11.
Variant type: single nucleotide variant.
Coding change: c.71A>G on transcript NM_015965.7 (MANE Select); coding-DNA position 71, A replaced by G.
Protein change: p.Asn24Ser; replaces asparagine 24 with serine.
Molecular consequence: missense variant.
Genome position (GRCh38, 1-based): chr19:19,516,309, A>G. VCF-style: chr19-19516309-A-G. GRCh37 (hg19) VCF-style: chr19-19627118-A-G.
Other names: short protein forms N24S.
Identifiers: ClinVar variation 4799387 (VCV004799387.1).